The following is an entry in ClinVar:

ClinVar aggregate classification (germline): Uncertain significance (1 of 4 stars; one submission).

Conditions:
Myasthenic syndrome, congenital, 22 (CMS22). Also called: PREPL DEFICIENCY. Identifiers: MedGen C4479088, MONDO:0044299, OMIM 616224.

Allele frequency attached by ClinVar (database versions not stated): gnomAD exomes 0.00002 and 0.00005; ExAC 0.00007; TOPMed 0.00008; gnomAD 0.00011 and 0.00012; ESP Exome Variant Server 0.00015.
gnomAD v4.1: 42 of 1,613,696 alleles (0.0026%); highest among the groups gnomAD compares: African/African-American, 0.031%; no homozygotes.

Submission:

Labcorp Genetics (formerly Invitae), Labcorp
Classification: Uncertain significance for Myasthenic syndrome, congenital, 22. Last evaluated: 2022-01-06. Review status: criteria provided, single submitter. Criteria: Invitae Variant Classification Sherloc (09022015). Collection method: clinical testing. Allele origin: germline.
Comment: This sequence change replaces alanine, which is neutral and non-polar, with threonine, which is neutral and polar, at codon 665 of the PREPL protein (p.Ala665Thr). This variant is present in population databases (rs145230776, gnomAD 0.04%). This variant has not been reported in the literature in individuals affected with PREPL-related conditions. ClinVar contains an entry for this variant (Variation ID: 961539). Algorithms developed to predict the effect of missense changes on protein structure and function output the following: SIFT: "Tolerated"; PolyPhen-2: "Benign"; Align-GVGD: "Class C0". The threonine amino acid residue is found in multiple mammalian species, which suggests that this missense change does not adversely affect protein function. In summary, the available evidence is currently insufficient to determine the role of this variant in disease. Therefore, it has been classified as a Variant of Uncertain Significance.

NM_001171613.2(PREPL):c.1726G>A (p.Ala576Thr)

Gene: PREPL (prolyl endopeptidase like; minus strand). Cytogenetic location: 2p21.
Variant type: single nucleotide variant.
Coding change: c.1726G>A on transcript NM_001171613.2 (MANE Select); coding-DNA position 1726, G replaced by A.
Protein change: p.Ala576Thr; replaces alanine 576 with threonine.
Molecular consequence: missense variant.
Genome position (GRCh38, 1-based): chr2:44,322,758, C>T on the plus strand (G>A on the coding strand, the complement: PREPL is on the minus strand). VCF-style: chr2-44322758-C-T. GRCh37 (hg19) VCF-style: chr2-44549897-C-T.
Other names: c.1993G>A, p.Ala665Thr (NM_006036.4, NM_001374275.1, NM_001374276.1 and 2 more transcripts); c.1726G>A, p.Ala576Thr (NM_001171617.1, NM_001374277.1); c.1807G>A, p.Ala603Thr (NM_001042385.2); c.1795G>A, p.Ala599Thr (NM_001042386.2); short protein forms A603T, A599T, A576T, A665T.
Identifiers: ClinVar variation 961539 (VCV000961539.7), dbSNP rs145230776, ClinGen allele CA1640988.